The following is an entry in ClinVar:

ClinVar aggregate classification (germline): Conflicting classifications of pathogenicity. Review status: criteria provided, conflicting classifications (1 of 4 stars). 2 submissions from 2 submitters: Pathogenic (1); Uncertain significance (1). Last evaluated 2024-05-22.

Conditions:
Dyggve-Melchior-Clausen syndrome (DMC). Also called: Dyggve-Melchior-Clausen disease; DMC syndrome. Identifiers: Orphanet 239, MedGen C0265286, MONDO:0009130, OMIM 223800.

Allele frequency attached by ClinVar (database versions not stated): ExAC 0.00001; gnomAD exomes 0.00001; gnomAD 0.00002.
gnomAD v4.1: 12 of 1,613,958 alleles (0.00074%); highest among the groups gnomAD compares: African/African-American, 0.0053%; no homozygotes.

Submissions (2):

Genetics Laboratory, UDIAT-Centre Diagnòstic, Hospital Universitari Parc Tauli
Classification: Pathogenic for Dyggve-Melchior-Clausen disease. Last evaluated: 2024-05-22. Review status: criteria provided, single submitter. Criteria: ACMG Guidelines, 2015. Collection method: clinical testing. Allele origin: unknown. Inheritance: Autosomal recessive inheritance. Affected: yes.
Comment: PVS1_very strong;PM2_supporting;PP4_supporting

Genomic Medicine Center of Excellence, King Faisal Specialist Hospital and Research Centre
Classification: Uncertain significance for Dyggve-Melchior-Clausen syndrome. Last evaluated: 2024-03-25. Review status: criteria provided, single submitter. Criteria: ACMG Guidelines, 2015. Collection method: clinical testing. Allele origin: germline.

NM_001353214.3(DYM):c.1867C>T (p.Arg623Ter)

Gene: DYM (dymeclin; minus strand). Cytogenetic location: 18q21.1.
Variant type: single nucleotide variant.
Coding change: c.1867C>T on transcript NM_001353214.3 (MANE Select); coding-DNA position 1867, C replaced by T.
Protein change: p.Arg623Ter; replaces arginine 623 with a stop codon.
Molecular consequence: nonsense. On other transcripts: intron variant (5).
Genome position (GRCh38, 1-based): chr18:49,118,788, G>A on the plus strand (C>T on the coding strand, the complement: DYM is on the minus strand). VCF-style: chr18-49118788-G-A. GRCh37 (hg19) VCF-style: chr18-46645158-G-A.
Other names: c.1699C>T, p.Arg567Ter (NM_001353210.3, NM_001353211.3, NM_001374435.1); c.1864C>T, p.Arg622Ter (NM_001353212.3, NM_001353213.3); c.1867C>T, p.Arg623Ter (NM_001374428.1, NM_001374430.1, NM_001374431.1); c.1861C>T, p.Arg621Ter (NM_001374429.1); c.1741C>T, p.Arg581Ter (NM_001374432.1); c.1702C>T, p.Arg568Ter (NM_001374433.1, NM_001374434.1, NM_017653.6); c.1576C>T, p.Arg526Ter (NM_001374436.1); c.1519C>T, p.Arg507Ter (NM_001374437.1); and 9 more; short protein forms R377*, R378*, R433*, R492*, R507*, R526*, R567*, R568*.
Identifiers: ClinVar variation 3064949 (VCV003064949.2), dbSNP rs756877451, ClinGen allele CA8958004.
Genomic context (GRCh38, chr18:49,118,788, plus strand): 5'-CTTCATTTACACTCACCAGATCAATATTTTGCATTATATCCTGAAATGAAGGATGAGTTC[G>A]AAATTGTTCAAAGAGATCGCGTTTGTAAAGCAGGGCGTATACCAAGTTTGGGTTGTGGTG-3'